The following is an entry in ClinVar:

ClinVar aggregate classification (germline): Likely pathogenic (1 of 4 stars; one submission).

Conditions:
T-B+ severe combined immunodeficiency due to JAK3 deficiency. Also called: SCID, T CELL-NEGATIVE, B CELL-POSITIVE, NK CELL-NEGATIVE; SCID, autosomal recessive, T-negative/B-positive type. Identifiers: Orphanet 35078, MedGen C1833275, MONDO:0010938, OMIM 600802.

gnomAD v4.1: 1 of 1,613,884 alleles (0.000062%); highest among the groups gnomAD compares: Non-Finnish European, 0.000085%; no homozygotes.

Submission:

Labcorp Genetics (formerly Invitae), Labcorp
Classification: Likely pathogenic for T-B+ severe combined immunodeficiency due to JAK3 deficiency. Last evaluated: 2019-01-08. Review status: criteria provided, single submitter. Criteria: Invitae Variant Classification Sherloc (09022015). Collection method: clinical testing. Allele origin: germline.
Comment: In summary, the currently available evidence indicates that the variant is pathogenic, but additional data are needed to prove that conclusively. Therefore, this variant has been classified as Likely Pathogenic. Donor and acceptor splice site variants typically lead to a loss of protein function (PMID: 16199547), and loss-of-function variants in JAK3 are known to be pathogenic (PMID: 7481768, 11668621). This variant has not been reported in the literature in individuals with JAK3-related conditions. This variant is not present in population databases (ExAC no frequency). This sequence change affects a donor splice site in intron 14 of the JAK3 gene. It is expected to disrupt RNA splicing and likely results in an absent or disrupted protein product.

Literature cited by the submitters: PubMed 16199547; PubMed 7481768; PubMed 11668621.

NM_000215.4(JAK3):c.1914+1G>A

Gene: JAK3 (Janus kinase 3; minus strand). Cytogenetic location: 19p13.11.
Variant type: single nucleotide variant.
Coding change: c.1914+1G>A on transcript NM_000215.4 (MANE Select); the canonical splice donor site of the intron after coding-DNA position 1914, G replaced by A.
Molecular consequence: splice donor variant.
Genome position (GRCh38, 1-based): chr19:17,835,923, C>T on the plus strand (G>A on the coding strand, the complement: JAK3 is on the minus strand). VCF-style: chr19-17835923-C-T. GRCh37 (hg19) VCF-style: chr19-17946732-C-T.
Identifiers: ClinVar variation 855030 (VCV000855030.8), dbSNP rs936493226, ClinGen allele CA306130814.